The following is an entry in ClinVar:

NM_007254.4(PNKP):c.1299-2A>G

Gene: PNKP (polynucleotide kinase 3'-phosphatase; minus strand). Cytogenetic location: 19q13.33.
Variant type: single nucleotide variant.
Coding change: c.1299-2A>G on transcript NM_007254.4 (MANE Select); the canonical splice acceptor site of the intron before coding-DNA position 1299, A replaced by G.
Molecular consequence: splice acceptor variant.
Genome position (GRCh38, 1-based): chr19:49,861,697, T>C on the plus strand (A>G on the coding strand, the complement: PNKP is on the minus strand). VCF-style: chr19-49861697-T-C. GRCh37 (hg19) VCF-style: chr19-50364954-T-C.
Identifiers: ClinVar variation 1075417 (VCV001075417.7), dbSNP rs2122319491, ClinGen allele CA406933317.
Genomic context (GRCh38, chr19:49,861,697, plus strand): 5'-TGGCGGTGAAGAGGAAGCAGCGGCAGGGGACGCCCGCGGCTCGGGCACACTGGACGTACC[T>C]GTGGGGGAAGGAGCTGGATGTGCAGGCCCCGCCCACCCCGCCGCAGGCCACCTACGGCCC-3'

ClinVar aggregate classification (germline): Pathogenic (1 of 4 stars; one submission).

Conditions:
Developmental and epileptic encephalopathy, 12 (DEE12). Identifiers: MedGen C3150988, MONDO:0013389, OMIM 613722.

Allele frequency attached by ClinVar (database versions not stated): gnomAD exomes 0.00001.
gnomAD v4.1: 5 of 1,547,694 alleles (0.00032%); highest among the groups gnomAD compares: East Asian, 0.012%; no homozygotes.

Submission:

Labcorp Genetics (formerly Invitae), Labcorp
Classification: Pathogenic for Developmental and epileptic encephalopathy, 12. Last evaluated: 2020-05-04. Review status: criteria provided, single submitter. Criteria: Invitae Variant Classification Sherloc (09022015). Collection method: clinical testing. Allele origin: germline.
Comment: This sequence change affects an acceptor splice site in intron 14 of the PNKP gene. It is expected to disrupt RNA splicing and likely results in an absent or disrupted protein product. This variant is not present in population databases (ExAC no frequency). This variant has been observed in individual(s) with PNKP-related conditions (PMID: 29243230). Experimental studies have shown that this variant disrupts mRNA splicing (PMID: 29243230). Donor and acceptor splice site variants typically lead to a loss of protein function (PMID: 16199547), and loss-of-function variants in PNKP are known to be pathogenic (PMID: 20118933, 25728773). For these reasons, this variant has been classified as Pathogenic.

Literature cited by the submitters: PubMed 29243230; PubMed 16199547; PubMed 20118933; PubMed 25728773.